The following is an entry in ClinVar:

NM_152703.5(SAMD9L):c.2775G>A (p.Leu925=)

Gene: SAMD9L (sterile alpha motif domain containing 9 like; minus strand). Cytogenetic location: 7q21.2.
Variant type: single nucleotide variant.
Coding change: c.2775G>A on transcript NM_152703.5 (MANE Select); coding-DNA position 2775, G replaced by A.
Protein change: p.Leu925=; no amino-acid change (leucine 925 retained).
Molecular consequence: synonymous variant.
Genome position (GRCh38, 1-based): chr7:93,133,197, C>T on the plus strand (G>A on the coding strand, the complement: SAMD9L is on the minus strand). VCF-style: chr7-93133197-C-T. GRCh37 (hg19) VCF-style: chr7-92762510-C-T.
Other names: p.Leu925=; c.2775G>A, p.Leu925= (NM_001303496.3, NM_001303497.3, NM_001303498.3 and 5 more transcripts).
Identifiers: ClinVar variation 4630139 (VCV004630139.2).

ClinVar aggregate classification (germline): Likely benign. Review status: criteria provided, multiple submitters, no conflicts (2 of 4 stars). 2 submissions from 2 submitters: Likely benign (2). Last evaluated 2025-11-24.

Conditions:
Inborn genetic diseases. Identifiers: MedGen C0950123, MeSH D030342.

Submissions (2):

Ambry Genetics
Classification: Likely benign for Inborn genetic diseases. Last evaluated: 2025-11-24. Review status: criteria provided, single submitter. Criteria: Ambry Variant Classification Scheme 2023. Collection method: clinical testing. Allele origin: germline.

Mayo Clinic Laboratories, Mayo Clinic
Classification: Likely benign. Last evaluated: 2025-06-12. Review status: criteria provided, single submitter. Criteria: ACMG Guidelines, 2015. Collection method: clinical testing. Allele origin: germline. Observed: 1 variant allele.
Comment: BP4, BP7